The following is an entry in ClinVar:

ClinVar aggregate classification (germline): Uncertain significance (1 of 4 stars; one submission).

Conditions:
Primary ciliary dyskinesia. Also called: Ciliary dyskinesia. Identifiers: Orphanet 244, MedGen C0008780, MONDO:0016575, HP:0012265.

Allele frequency attached by ClinVar (database versions not stated): gnomAD exomes below 0.00001.
gnomAD v4.1: 1 of 1,614,082 alleles (0.000062%); highest among the groups gnomAD compares: Non-Finnish European, 0.000085%; no homozygotes.

Submission:

Labcorp Genetics (formerly Invitae), Labcorp
Classification: Uncertain significance for Primary ciliary dyskinesia. Last evaluated: 2024-01-16. Review status: criteria provided, single submitter. Criteria: Invitae Variant Classification Sherloc (09022015). Collection method: clinical testing. Allele origin: germline.
Comment: This sequence change replaces aspartic acid, which is acidic and polar, with asparagine, which is neutral and polar, at codon 2389 of the DNAH8 protein (p.Asp2389Asn). This variant is not present in population databases (gnomAD no frequency). This variant has not been reported in the literature in individuals affected with DNAH8-related conditions. Advanced modeling of protein sequence and biophysical properties (such as structural, functional, and spatial information, amino acid conservation, physicochemical variation, residue mobility, and thermodynamic stability) performed at Invitae indicates that this missense variant is not expected to disrupt DNAH8 protein function with a negative predictive value of 80%. In summary, the available evidence is currently insufficient to determine the role of this variant in disease. Therefore, it has been classified as a Variant of Uncertain Significance.

NM_001206927.2(DNAH8):c.7165G>A (p.Asp2389Asn)

Gene: DNAH8 (dynein axonemal heavy chain 8; plus strand). Cytogenetic location: 6p21.2.
Variant type: single nucleotide variant.
Coding change: c.7165G>A on transcript NM_001206927.2 (MANE Select); coding-DNA position 7165, G replaced by A.
Protein change: p.Asp2389Asn; replaces aspartic acid 2389 with asparagine.
Molecular consequence: missense variant.
Genome position (GRCh38, 1-based): chr6:38,872,710, G>A. VCF-style: chr6-38872710-G-A. GRCh37 (hg19) VCF-style: chr6-38840486-G-A.
Other names: c.6514G>A, p.Asp2172Asn (NM_001371.4); short protein forms D2389N, D2172N.
Identifiers: ClinVar variation 2709727 (VCV002709727.3), dbSNP rs2533091416, ClinGen allele CA364027325.